The following is an entry in ClinVar:

NM_000551.4(VHL):c.226T>G (p.Phe76Val)

Gene: VHL (von Hippel-Lindau tumor suppressor; plus strand). Cytogenetic location: 3p25.3.
Variant type: single nucleotide variant.
Coding change: c.226T>G on transcript NM_000551.4 (MANE Select); coding-DNA position 226, T replaced by G.
Protein change: p.Phe76Val; replaces phenylalanine 76 with valine.
Molecular consequence: missense variant. On other transcripts: non-coding transcript variant (1).
Genome position (GRCh38, 1-based): chr3:10,142,073, T>G. VCF-style: chr3-10142073-T-G. GRCh37 (hg19) VCF-style: chr3-10183757-T-G.
Other names: c.226T>G, p.Phe76Val (NM_001354723.2, NM_198156.3); short protein forms F76V.
Identifiers: ClinVar variation 4789510 (VCV004789510.1).

ClinVar aggregate classification (germline): Likely pathogenic (1 of 4 stars; one submission).

Conditions:
Chuvash polycythemia. Also called: POLYCYTHEMIA, VHL-DEPENDENT. Identifiers: Orphanet 238557, MedGen C1837915, MONDO:0009892, OMIM 263400.
Von Hippel-Lindau syndrome (VHLS). Also called: von Hippel–Lindau syndrome; VHL syndrome; Von Hippel-Lindau. Identifiers: Orphanet 892, MedGen C0019562, MONDO:0008667, OMIM 193300. Disease mechanism: loss of function.

gnomAD v4.1: 1 of 1,607,298 alleles (0.000062%); highest among the groups gnomAD compares: Non-Finnish European, 0.000085%; no homozygotes.

Submission:

Labcorp Genetics (formerly Invitae), Labcorp
Classification: Likely pathogenic for Von Hippel-Lindau syndrome; Chuvash polycythemia. Last evaluated: 2025-02-07. Review status: criteria provided, single submitter. Criteria: Invitae Variant Classification Sherloc (09022015). Collection method: clinical testing. Allele origin: germline.
Comment: This sequence change replaces phenylalanine, which is neutral and non-polar, with valine, which is neutral and non-polar, at codon 76 of the VHL protein (p.Phe76Val). This variant is not present in population databases (gnomAD no frequency). This variant has not been reported in the literature in individuals affected with VHL-related conditions. Invitae Evidence Modeling of protein sequence and biophysical properties (such as structural, functional, and spatial information, amino acid conservation, physicochemical variation, residue mobility, and thermodynamic stability) indicates that this missense variant is expected to disrupt VHL protein function with a positive predictive value of 95%. This variant disrupts the p.Phe76 amino acid residue in VHL. Other variant(s) that disrupt this residue have been determined to be pathogenic (PMID: 9452032, 15881703; internal data). This suggests that this residue is clinically significant, and that variants that disrupt this residue are likely to be disease-causing. In summary, the currently available evidence indicates that the variant is pathogenic, but additional data are needed to prove that conclusively. Therefore, this variant has been classified as Likely Pathogenic.

Literature cited by the submitters: PubMed 9452032; PubMed 15881703.